The following is an entry in ClinVar:

NM_001303256.3(MORC2):c.1196C>T (p.Pro399Leu)

Gene: MORC2 (MORC family CW-type zinc finger 2; minus strand). Cytogenetic location: 22q12.2.
Variant type: single nucleotide variant.
Coding change: c.1196C>T on transcript NM_001303256.3 (MANE Select); coding-DNA position 1196, C replaced by T.
Protein change: p.Pro399Leu; replaces proline 399 with leucine.
Molecular consequence: missense variant.
Genome position (GRCh38, 1-based): chr22:30,938,083, G>A on the plus strand (C>T on the coding strand, the complement: MORC2 is on the minus strand). VCF-style: chr22-30938083-G-A. GRCh37 (hg19) VCF-style: chr22-31334070-G-A.
Other names: c.1196C>T, p.Pro399Leu (NM_001303257.2); c.1010C>T, p.Pro337Leu (NM_014941.3); short protein forms P337L, P399L.
Identifiers: ClinVar variation 4874462 (VCV004874462.2).

ClinVar aggregate classification (germline): Uncertain significance (1 of 4 stars; one submission).

Submission:

CeGaT Center for Human Genetics Tuebingen
Classification: Uncertain significance. Last evaluated: 2026-04-01. Review status: criteria provided, single submitter. Criteria: CeGaT Center For Human Genetics Tuebingen Variant Classification Criteria Version 2. Collection method: clinical testing. Allele origin: germline. Affected: yes. Observed: 1 variant allele.
Comment: MORC2: PM2, PP2